The following is an entry in ClinVar:

ClinVar aggregate classification (germline): Likely benign (1 of 4 stars; one submission).

Submission:

CeGaT Center for Human Genetics Tuebingen
Classification: Likely benign. Last evaluated: 2024-10-01. Review status: criteria provided, single submitter. Criteria: CeGaT Center For Human Genetics Tuebingen Variant Classification Criteria Version 2. Collection method: clinical testing. Allele origin: germline. Affected: yes. Observed: 1 variant allele.
Comment: FLT4: BP4, BP7

NM_182925.5(FLT4):c.2190C>T (p.Asn730=)

Genes: FLT4 (fms related receptor tyrosine kinase 4; minus strand), LOC126807632 (CDK7 strongly-dependent group 2 enhancer GRCh37_chr5:180046831-180048030; plus strand). Cytogenetic location: 5q35.3.
Variant type: single nucleotide variant.
Coding change: c.2190C>T on transcript NM_182925.5 (MANE Select); coding-DNA position 2190, C replaced by T.
Protein change: p.Asn730=; no amino-acid change (asparagine 730 retained).
Molecular consequence: synonymous variant.
Genome position (GRCh38, 1-based): chr5:180,620,985, G>A on the plus strand (C>T on the coding strand, the complement: FLT4 is on the minus strand). VCF-style: chr5-180620985-G-A. GRCh37 (hg19) VCF-style: chr5-180047985-G-A.
Other names: c.2190C>T, p.Asn730= (NM_001354989.2, NM_002020.5).
Identifiers: ClinVar variation 3388686 (VCV003388686.14).